The following is an entry in ClinVar:

ClinVar aggregate classification (germline): Likely pathogenic (0 of 4 stars; one submission).

Conditions:
Carcinoma of colon (CRC). Also called: Colonic carcinoma; Colon carcinoma. Identifiers: MedGen C0699790, MONDO:0002032.

Submission:

Department of Pathology and Laboratory Medicine, Sinai Health System
Classification: Likely pathogenic for Carcinoma of colon. Review status: no assertion criteria provided. Collection method: clinical testing. Allele origin: unknown. Affected: yes. Study: The Canadian Open Genetics Repository (COGR).
Comment: The MSH6 c.3357-3_3573del variant was not identified in the literature nor was it identified in dbSNP, ClinVar, UMD-LSDB, Exome Aggregation Consortium (August 8th 2016) or the Genome Aggregation Database (Feb 27, 2017). The c.3357-3_3573del variant is predicted to cause abnormal splicing because the deletion results in the loss of the intron 6-exon 7 junction, including the splice consensus sequence. However, the specific effect of this variant on splicing or protein function is not known. In summary, based on the above information, the clinical significance of this variant cannot be determined with certainty at this time although we would lean towards a more pathogenic role for this variant. This variant is classified as likely pathogenic.

NM_000179.3(MSH6):c.3557-3_3573del

Gene: MSH6 (mutS homolog 6; plus strand). Cytogenetic location: 2p16.3.
Variant type: Deletion.
Coding change: c.3557-3_3573del on transcript NM_000179.3 (MANE Select); 3 bases into the intron before coding-DNA position 3557 through coding-DNA position 3573, 20 bases deleted (AAGGTGAAAGTACATTTTTT).
Molecular consequence: splice acceptor variant.
Genome position (GRCh38, 1-based): chr2:47,805,615-47,805,634, AAGGTGAAAGTACATTTTTT deleted; deleting any 20 consecutive bases within chr2:47,805,609-47,805,634 gives the same sequence; the c. name uses the placement nearest the transcript's 3' end. VCF-style (leftmost placement, unchanged base first): chr2-47805608-TTTTTTTAAGGTGAAAGTACA-T. GRCh37 (hg19) VCF-style: chr2-48032747-TTTTTTTAAGGTGAAAGTACA-T.
Other names: c.2651-3_2667del (NM_001281493.2, NM_001281494.2); c.3167-3_3183del (NM_001281492.2).
Identifiers: ClinVar variation 1049470 (VCV001049470.1), dbSNP rs2104521349, ClinGen allele CA2499216136.